The following is an entry in ClinVar:

ClinVar aggregate classification (germline): Uncertain significance. Review status: criteria provided, multiple submitters, no conflicts (2 of 4 stars). 2 submissions from 2 submitters: Uncertain significance (2). Last evaluated 2025-07-18.

Conditions:
Hereditary cancer-predisposing syndrome. Also called: Tumor predisposition; Neoplastic Syndromes, Hereditary; Hereditary Cancer Syndrome; Hereditary neoplastic syndrome. Identifiers: Orphanet 140162, MedGen C0027672, MeSH D009386, MONDO:0015356.
Hereditary nonpolyposis colorectal neoplasms. Identifiers: MedGen C0009405, MeSH D003123.

Submissions (2):

Labcorp Genetics (formerly Invitae), Labcorp
Classification: Uncertain significance for Hereditary nonpolyposis colorectal neoplasms. Last evaluated: 2025-07-18. Review status: criteria provided, single submitter. Criteria: Invitae Variant Classification Sherloc (09022015). Collection method: clinical testing. Allele origin: germline.
Comment: This sequence change replaces proline, which is neutral and non-polar, with arginine, which is basic and polar, at codon 440 of the PMS2 protein (p.Pro440Arg). This variant is not present in population databases (gnomAD no frequency). This variant has not been reported in the literature in individuals affected with PMS2-related conditions. ClinVar contains an entry for this variant (Variation ID: 3684338). Invitae Evidence Modeling incorporating data from in vitro experimental studies (internal data) indicates that this missense variant is not expected to disrupt PMS2 function with a negative predictive value of 95%. In summary, the available evidence is currently insufficient to determine the role of this variant in disease. Therefore, it has been classified as a Variant of Uncertain Significance.

Ambry Genetics
Classification: Uncertain significance for Hereditary cancer-predisposing syndrome. Last evaluated: 2025-01-14. Review status: criteria provided, single submitter. Criteria: Ambry Variant Classification Scheme 2023. Collection method: clinical testing. Allele origin: germline.
Comment: The p.P440R variant (also known as c.1319C>G), located in coding exon 11 of the PMS2 gene, results from a C to G substitution at nucleotide position 1319. The proline at codon 440 is replaced by arginine, an amino acid with dissimilar properties. This amino acid position is conserved. In addition, this alteration is predicted to be tolerated by in silico analysis. Based on the available evidence, the clinical significance of this variant remains unclear.

NM_000535.7(PMS2):c.1319C>G (p.Pro440Arg)

Gene: PMS2 (PMS1 homolog 2, mismatch repair system component; minus strand). Cytogenetic location: 7p22.1.
Variant type: single nucleotide variant.
Coding change: c.1319C>G on transcript NM_000535.7 (MANE Select); coding-DNA position 1319, C replaced by G.
Protein change: p.Pro440Arg; replaces proline 440 with arginine.
Molecular consequence: missense variant. On other transcripts: non-coding transcript variant (1), intron variant (1).
Genome position (GRCh38, 1-based): chr7:5,987,446, G>C on the plus strand (C>G on the coding strand, the complement: PMS2 is on the minus strand). VCF-style: chr7-5987446-G-C. GRCh37 (hg19) VCF-style: chr7-6027077-G-C.
Other names: c.914C>G, p.Pro305Arg (NM_001322003.2, NM_001322004.2, NM_001322005.2 and 16 more transcripts); c.1163C>G, p.Pro388Arg (NM_001322006.2, NM_001406870.1); c.1001C>G, p.Pro334Arg (NM_001322007.2, NM_001322008.2, NM_001406876.1 and 2 more transcripts); c.758C>G, p.Pro253Arg (NM_001322010.2, NM_001406906.1, NM_001406907.1); c.386C>G, p.Pro129Arg (NM_001322011.2, NM_001322012.2); c.746C>G, p.Pro249Arg (NM_001322013.2, NM_001406909.1); c.1319C>G, p.Pro440Arg (NM_001322014.2, NM_001406871.1, NM_001406872.1); c.1010C>G, p.Pro337Arg (NM_001322015.2, NM_001406875.1, NM_001406877.1 and 5 more transcripts); and 13 more; short protein forms P305R, P332R, P384R, P388R, P440R, P253R, P269R, P318R.
Identifiers: ClinVar variation 3684338 (VCV003684338.3).